The following is an entry in ClinVar:

ClinVar aggregate classification (germline): Uncertain significance (1 of 4 stars; one submission).

Conditions:
PJVK-related disorder. Also called: PJVK-related condition.

gnomAD v4.1: 84 of 985,078 alleles (0.0085%); highest among the groups gnomAD compares: Non-Finnish European, 0.009%; no homozygotes.

Submission:

PreventionGenetics, part of Exact Sciences
Classification: Uncertain significance for PJVK-related condition. Last evaluated: 2026-02-12. Review status: criteria provided, single submitter. Criteria: ACMG Guidelines, 2015. Collection method: clinical testing. Allele origin: germline.
Comment: The PJVK c.85G>A variant is predicted to result in the amino acid substitution p.Glu29Lys. To our knowledge, this variant has not been reported in the literature. This variant is reported in 0.011% of alleles in individuals of African descent in gnomAD. At this time, the clinical significance of this variant is uncertain due to the absence of conclusive functional and genetic evidence.

NM_001042702.5(PJVK):c.-23+759G>A

Gene: PJVK (pejvakin; plus strand). Cytogenetic location: 2q31.2.
Variant type: single nucleotide variant.
Coding change: c.-23+759G>A on transcript NM_001042702.5 (MANE Select); 759 bases into the intron after 23 bases upstream of the start codon, G replaced by A.
Molecular consequence: intron variant. On other transcripts: missense variant (1), 5 prime UTR variant (1).
Genome position (GRCh38, 1-based): chr2:178,452,528, G>A. VCF-style: chr2-178452528-G-A. GRCh37 (hg19) VCF-style: chr2-179317255-G-A.
Other names: c.85G>A, p.Glu29Lys (NM_001353776.2); c.-666G>A (NM_001353778.2); c.-335+759G>A (NM_001353777.1); c.30+658G>A (NM_001353775.2); short protein forms E29K.
Identifiers: ClinVar variation 4986862 (VCV004986862.1).
Genomic context (GRCh38, chr2:178,452,528, plus strand): 5'-ATCACTGTTTTAATGGATATCTTATTGGAAGGGCTACATAGTCAGTATTTCACAATATAT[G>A]AACTCCGCATAACACCTATGGCAAAACATTTCAGCACTCAGGTAAAATTCATTTTTTGCC-3'